The following is an entry in ClinVar:

ClinVar aggregate classification (germline): Uncertain significance (1 of 4 stars; one submission).

Conditions:
Holoprosencephaly 2 (HPE2). Identifiers: Orphanet 2162, MedGen C1834877, MONDO:0007999, OMIM 157170.

Submission:

Labcorp Genetics (formerly Invitae), Labcorp
Classification: Uncertain significance for Holoprosencephaly 2. Last evaluated: 2021-11-13. Review status: criteria provided, single submitter. Criteria: Invitae Variant Classification Sherloc (09022015). Collection method: clinical testing. Allele origin: germline.
Comment: In summary, the available evidence is currently insufficient to determine the role of this variant in disease. Therefore, it has been classified as a Variant of Uncertain Significance. Algorithms developed to predict the effect of missense changes on protein structure and function are either unavailable or do not agree on the potential impact of this missense change (SIFT: "Deleterious"; PolyPhen-2: "Benign"; Align-GVGD: "Class C0"). This variant has not been reported in the literature in individuals affected with SIX3-related conditions. This variant is not present in population databases (gnomAD no frequency). This sequence change replaces glycine, which is neutral and non-polar, with valine, which is neutral and non-polar, at codon 47 of the SIX3 protein (p.Gly47Val).

NM_005413.4(SIX3):c.140G>T (p.Gly47Val)

Gene: SIX3 (SIX homeobox 3; plus strand). Cytogenetic location: 2p21.
Variant type: single nucleotide variant.
Coding change: c.140G>T on transcript NM_005413.4 (MANE Select); coding-DNA position 140, G replaced by T.
Protein change: p.Gly47Val; replaces glycine 47 with valine.
Molecular consequence: missense variant.
Genome position (GRCh38, 1-based): chr2:44,942,244, G>T. VCF-style: chr2-44942244-G-T. GRCh37 (hg19) VCF-style: chr2-45169383-G-T.
Other names: short protein forms G47V.
Identifiers: ClinVar variation 1381015 (VCV001381015.6), dbSNP rs2103641181, ClinGen allele CA346798959.